The following is an entry in ClinVar:

NM_001946.4(DUSP6):c.208A>G (p.Asn70Asp)

Genes: DUSP6 (dual specificity phosphatase 6; minus strand), POC1B-DUSP6 (POC1B-DUSP6 readthrough; minus strand). Cytogenetic location: 12q21.33.
Variant type: single nucleotide variant.
Coding change: c.208A>G on transcript NM_001946.4 (MANE Select); coding-DNA position 208, A replaced by G.
Protein change: p.Asn70Asp; replaces asparagine 70 with aspartic acid.
Molecular consequence: missense variant. On other transcripts: intron variant (3).
Genome position (GRCh38, 1-based): chr12:89,351,832, T>C on the plus strand (A>G on the coding strand, the complement: DUSP6 is on the minus strand). VCF-style: chr12-89351832-T-C. GRCh37 (hg19) VCF-style: chr12-89745609-T-C.
Other names: c.208A>G, p.Asn70Asp (NM_022652.4); c.643-2271A>G (NM_001425796.1); c.1033-2271A>G (NM_001425795.1); c.1114-2271A>G (NM_001425794.1); short protein forms N70D.
Identifiers: ClinVar variation 4998748 (VCV004998748.1).
Genomic context (GRCh38, chr12:89,351,832, plus strand): 5'-AGCGCCGGGTGAAGCGGTCCCGGTCCTCGCCGCGCGTGAAGAGCGCGCGCACCGGCAGGT[T>C]ACCCTTCTGCAGGCGCCGCAGCATGATGCCCGGGATGGCCACGTTGATGGCCGACTCGAT-3'
Protein context (NP_001937.2, residues 60-80): GIMLRRLQKG[Asn70Asp]LPVRALFTRG

ClinVar aggregate classification (germline): Uncertain significance (1 of 4 stars; one submission).

Conditions:
DUSP6-related disorder. Also called: DUSP6-related condition.

Submission:

PreventionGenetics, part of Exact Sciences
Classification: Uncertain significance for DUSP6-related condition. Last evaluated: 2024-11-12. Review status: criteria provided, single submitter. Criteria: ACMG Guidelines, 2015. Collection method: clinical testing. Allele origin: germline.
Comment: The DUSP6 c.208A>G variant is predicted to result in the amino acid substitution p.Asn70Asp. To our knowledge, this variant has not been reported in the literature or in a large population database (gnomAD), indicating this variant is rare. At this time, the clinical significance of this variant is uncertain due to the absence of conclusive functional and genetic evidence.